The following is an entry in ClinVar:

NM_172364.5(CACNA2D4):c.2101C>T (p.Gln701Ter)

Gene: CACNA2D4 (calcium voltage-gated channel auxiliary subunit alpha2delta 4; minus strand). Cytogenetic location: 12p13.33.
Variant type: single nucleotide variant.
Coding change: c.2101C>T on transcript NM_172364.5 (MANE Select); coding-DNA position 2101, C replaced by T.
Protein change: p.Gln701Ter; replaces glutamine 701 with a stop codon.
Molecular consequence: nonsense.
Genome position (GRCh38, 1-based): chr12:1,856,063, G>A on the plus strand (C>T on the coding strand, the complement: CACNA2D4 is on the minus strand). VCF-style: chr12-1856063-G-A. GRCh37 (hg19) VCF-style: chr12-1965229-G-A.
Other names: short protein forms Q701*.
Identifiers: ClinVar variation 2016479 (VCV002016479.4), dbSNP rs2498041334, ClinGen allele CA383349457.

ClinVar aggregate classification (germline): Uncertain significance (1 of 4 stars; one submission).

Allele frequency attached by ClinVar (database versions not stated): gnomAD exomes below 0.00001.
gnomAD v4.1: 2 of 1,614,006 alleles (0.00012%); highest among the groups gnomAD compares: Non-Finnish European, 0.00017%; no homozygotes.

Submission:

Labcorp Genetics (formerly Invitae), Labcorp
Classification: Uncertain significance. Last evaluated: 2022-09-27. Review status: criteria provided, single submitter. Criteria: Invitae Variant Classification Sherloc (09022015). Collection method: clinical testing. Allele origin: germline.
Comment: This sequence change creates a premature translational stop signal (p.Gln701*) in the CACNA2D4 gene. It is expected to result in an absent or disrupted protein product. However, the current clinical and genetic evidence is not sufficient to establish whether loss-of-function variants in CACNA2D4 cause disease. This variant is not present in population databases (gnomAD no frequency). This variant has not been reported in the literature in individuals affected with CACNA2D4-related conditions. In summary, the available evidence is currently insufficient to determine the role of this variant in disease. Therefore, it has been classified as a Variant of Uncertain Significance.